The following is an entry in ClinVar:

NM_001035.3(RYR2):c.14808+3A>G

Gene: RYR2 (ryanodine receptor 2; plus strand). Cytogenetic location: 1q43.
Variant type: single nucleotide variant.
Coding change: c.14808+3A>G on transcript NM_001035.3 (MANE Select); 3 bases into the intron after coding-DNA position 14808, A replaced by G.
Molecular consequence: intron variant.
Genome position (GRCh38, 1-based): chr1:237,831,568, A>G. VCF-style: chr1-237831568-A-G. GRCh37 (hg19) VCF-style: chr1-237994868-A-G.
Other names: c.14808+3A>G (LRG_402t1).
Identifiers: ClinVar variation 463580 (VCV000463580.24), dbSNP rs377491955, ClinGen allele CA085774.
Genomic context (GRCh38, chr1:237,831,568, plus strand): 5'-CTGTAGGTTTTTTCTGATGTATCTTATAAACAAAGATGAAACAGAACACACAGGACAGGT[A>G]GGTAAATTATTACATGTCATCTTCTGAAAGAAATGATAGAGAAGCTCTAAATATCAGAAC-3'

ClinVar aggregate classification (germline): Conflicting classifications of pathogenicity. Review status: criteria provided, conflicting classifications (1 of 4 stars). 7 submissions from 7 submitters: Uncertain significance (1); Benign (2); Likely benign (4). Last evaluated 2026-07-31.

Conditions:
RYR2-related disorder. Also called: RYR2-related condition.
Cardiovascular phenotype. Identifiers: MedGen CN230736.
Catecholaminergic polymorphic ventricular tachycardia 1. Also called: VENTRICULAR TACHYCARDIA, CATECHOLAMINERGIC POLYMORPHIC, 1, WITH OR WITHOUT ATRIAL DYSFUNCTION AND/OR DILATED CARDIOMYOPATHY; RYR2-Related Catecholaminergic Polymorphic Ventricular Tachycardia; VENTRICULAR TACHYCARDIA, STRESS-INDUCED POLYMORPHIC 1. Identifiers: Orphanet 3286, MedGen C1631597, MONDO:0011484, OMIM 604772.
Cardiomyopathy (CMYO). Also called: Cardiomyopathies. Identifiers: Orphanet 167848, MedGen C0878544, MONDO:0004994, HP:0001638. Inheritance: Various modes of inheritance.

Allele frequency attached by ClinVar (database versions not stated): ESP Exome Variant Server 0.00008; gnomAD 0.00010 and 0.00011; gnomAD exomes 0.00010; TOPMed 0.00012; ExAC 0.00014.
gnomAD v4.1: 56 of 1,530,888 alleles (0.0037%); highest among the groups gnomAD compares: East Asian, 0.079%; no homozygotes.

Submissions (7):

PreventionGenetics, part of Exact Sciences
Classification: Likely benign for RYR2-related condition. Last evaluated: 2026-07-31. Review status: criteria provided, single submitter. Criteria: ACMG Guidelines, 2015. Collection method: clinical testing. Allele origin: germline.
Comment: This variant is classified as likely benign based on ACMG/AMP sequence variant interpretation guidelines (Richards et al. 2015 PMID: 25741868, with internal and published modifications).

Labcorp Genetics (formerly Invitae), Labcorp
Classification: Likely benign for Catecholaminergic polymorphic ventricular tachycardia 1. Last evaluated: 2025-12-22. Review status: criteria provided, single submitter. Criteria: Invitae Variant Classification Sherloc (09022015). Collection method: clinical testing. Allele origin: germline.

Women's Health and Genetics/Laboratory Corporation of America, LabCorp
Classification: Benign. Last evaluated: 2024-03-12. Review status: criteria provided, single submitter. Criteria: LabCorp Variant Classification Summary - May 2015. Collection method: clinical testing. Allele origin: germline.

GeneDx
Classification: Likely benign. Last evaluated: 2020-01-16. Review status: criteria provided, single submitter. Criteria: GeneDx Variant Classification Process June 2021. Collection method: clinical testing. Allele origin: germline. Affected: yes.

Revvity Omics, Revvity
Classification: Uncertain significance. Last evaluated: 2019-12-11. Review status: criteria provided, single submitter. Criteria: ACMG Guidelines, 2015. Collection method: clinical testing. Allele origin: germline.

Ambry Genetics
Classification: Likely benign for Cardiovascular phenotype. Last evaluated: 2019-05-15. Review status: criteria provided, single submitter. Criteria: Ambry Variant Classification Scheme 2023. Collection method: clinical testing. Allele origin: germline.

Color Diagnostics, LLC DBA Color Health
Classification: Benign for Cardiomyopathy. Last evaluated: 2019-04-15. Review status: criteria provided, single submitter. Criteria: ACMG Guidelines, 2015. Collection method: clinical testing. Allele origin: germline.